The following is an entry in ClinVar:

ClinVar aggregate classification (germline): Uncertain significance (1 of 4 stars; one submission).

Submission:

CeGaT Center for Human Genetics Tuebingen
Classification: Uncertain significance. Last evaluated: 2023-12-01. Review status: criteria provided, single submitter. Criteria: CeGaT Center For Human Genetics Tuebingen Variant Classification Criteria Version 2. Collection method: clinical testing. Allele origin: germline. Affected: yes. Observed: 1 variant allele.
Comment: SPEN: PM2, BP5

NM_015001.3(SPEN):c.5047_5048delinsAT (p.Ala1683Ile)

Gene: SPEN (spen family transcriptional repressor; plus strand). Cytogenetic location: 1p36.13.
Variant type: Indel.
Coding change: c.5047_5048delinsAT on transcript NM_015001.3 (MANE Select); coding-DNA positions 5047 to 5048, GC replaced by AT.
Protein change: p.Ala1683Ile; replaces alanine 1683 with isoleucine.
Molecular consequence: missense variant.
Genome position (GRCh38, 1-based): chr1:15,931,287-15,931,288, GC replaced by AT. VCF-style: chr1-15931287-GC-AT. GRCh37 (hg19) VCF-style: chr1-16257782-GC-AT.
Other names: short protein forms A1683I.
Identifiers: ClinVar variation 3027380 (VCV003027380.22), dbSNP rs2523081693, ClinGen allele CA2740090596.
Genomic context (GRCh38, chr1:15,931,287, plus strand): 5'-GTAGAGGCGCCTTTGGTAACAGAAGAGAAGACTGTGGAGCCAGCTACCGTCTCAGAAGAA[GC>AT]AAAGCCTGCATCTGAACCTGCTCCTGCCCCTGTGGAACAGCTGGAACAAGTAGACCTGCC-3'
Protein context (NP_055816.2, residues 1673-1693): TVEPATVSEE[Ala1683Ile]KPASEPAPAP